The following is an entry in ClinVar:

ClinVar aggregate classification (germline): Uncertain significance. Review status: criteria provided, multiple submitters, no conflicts (2 of 4 stars). 6 submissions from 6 submitters: Uncertain significance (6). Last evaluated 2025-05-23.

Conditions:
Cardiovascular phenotype. Identifiers: MedGen CN230736.
Cardiomyopathy (CMYO). Also called: Cardiomyopathies. Identifiers: Orphanet 167848, MedGen C0878544, MONDO:0004994, HP:0001638. Inheritance: Various modes of inheritance.
Arrhythmogenic right ventricular dysplasia 5. Also called: ARRHYTHMOGENIC RIGHT VENTRICULAR DYSPLASIA, FAMILIAL, 5; Arrhythmogenic Right Ventricular Dysplasia/Cardiomyopathy 5. Identifiers: MedGen C1858379, MONDO:0011459, OMIM 604400.

Allele frequency attached by ClinVar (database versions not stated): gnomAD exomes below 0.00001; ExAC 0.00001; gnomAD 0.00001; TOPMed 0.00002.
gnomAD v4.1: 3 of 1,614,048 alleles (0.00019%); highest among the groups gnomAD compares: African/African-American, 0.004%; no homozygotes.

Submissions (6):

Labcorp Genetics (formerly Invitae), Labcorp
Classification: Uncertain significance for Arrhythmogenic right ventricular dysplasia 5. Last evaluated: 2025-05-23. Review status: criteria provided, single submitter. Criteria: Invitae Variant Classification Sherloc (09022015). Collection method: clinical testing. Allele origin: germline.
Comment: This sequence change falls in intron 8 of the TMEM43 gene. It does not directly change the encoded amino acid sequence of the TMEM43 protein. It affects a nucleotide within the consensus splice site. The frequency data for this variant in the population databases is considered unreliable, as metrics indicate poor data quality at this position in the gnomAD database. This variant has not been reported in the literature in individuals affected with TMEM43-related conditions. ClinVar contains an entry for this variant (Variation ID: 373690). Variants that disrupt the consensus splice site are a relatively common cause of aberrant splicing (PMID: 17576681, 9536098). Algorithms developed to predict the effect of sequence changes on RNA splicing suggest that this variant may disrupt the consensus splice site. In summary, the available evidence is currently insufficient to determine the role of this variant in disease. Therefore, it has been classified as a Variant of Uncertain Significance.

All of Us Research Program, National Institutes of Health
Classification: Uncertain significance for Arrhythmogenic right ventricular dysplasia 5. Last evaluated: 2023-10-30. Review status: criteria provided, single submitter. Criteria: ACMG Guidelines, 2015. Collection method: clinical testing. Allele origin: germline. Inheritance: Autosomal dominant inheritance. Observed: 2 variant alleles, 2 heterozygotes.
Comment: This variant causes a G to T nucleotide substitution at the +5 position of intron 8 of the TMEM43 gene. Splice site prediction tools predict that this variant may have a significant impact on RNA splicing. To our knowledge, RNA studies have not been reported for this variant. This variant has not been reported in individuals affected with TMEM43-related disorders in the literature. This variant has been identified in 2/282690 chromosomes in the general population by the Genome Aggregation Database (gnomAD). The available evidence is insufficient to determine the role of this variant in disease conclusively. Therefore, this variant is classified as a Variant of Uncertain Significance.

This study involves interpretation of variants in research participants for the purpose of population health screening. Participant phenotype was not available at the time of variant classification. Additional details can be found in publication PMID: 35346344, PMCID: PMC8962531

Color Diagnostics, LLC DBA Color Health
Classification: Uncertain significance for Cardiomyopathy. Last evaluated: 2023-07-28. Review status: criteria provided, single submitter. Criteria: ACMG Guidelines, 2015. Collection method: clinical testing. Allele origin: germline.
Comment: This variant causes a G to T nucleotide substitution at the +5 position of intron 8 of the TMEM43 gene. Splice site prediction tools predict that this variant may have a significant impact on RNA splicing. To our knowledge, RNA studies have not been reported for this variant. This variant has not been reported in individuals affected with TMEM43-related disorders in the literature. This variant has been identified in 2/282690 chromosomes in the general population by the Genome Aggregation Database (gnomAD). The available evidence is insufficient to determine the role of this variant in disease conclusively. Therefore, this variant is classified as a Variant of Uncertain Significance.

Ambry Genetics
Classification: Uncertain significance for Cardiovascular phenotype. Last evaluated: 2022-09-06. Review status: criteria provided, single submitter. Criteria: Ambry Variant Classification Scheme 2023. Collection method: clinical testing. Allele origin: germline.
Comment: The c.705+5G>T intronic variant results from a G to T substitution 5 nucleotides after coding exon 8 in the TMEM43 gene. This nucleotide position is poorly conserved in available vertebrate species. In silico splice site analysis predicts that this alteration may result in the creation or strengthening of a novel splice donor site. Since supporting evidence is limited at this time, the clinical significance of this alteration remains unclear.

Mayo Clinic Laboratories, Mayo Clinic
Classification: Uncertain significance. Last evaluated: 2022-02-09. Review status: criteria provided, single submitter. Criteria: ACMG Guidelines, 2015. Collection method: clinical testing. Allele origin: germline. Observed: 1 variant allele.

GeneDx
Classification: Uncertain significance. Last evaluated: 2016-12-01. Review status: criteria provided, single submitter. Criteria: GeneDx Variant Classification (06012015). Collection method: clinical testing. Allele origin: germline. Affected: yes.
Comment: The c.705+5 G>T variant of uncertain significance in the TMEM43 gene has not been reported as a pathogenic variant or as a benign variant to our knowledge. This variant was not observed in approximately 6,500 individuals of European and African American ancestry in the NHLBI Exome Sequencing Project or with any significant frequency in the Exome Aggregation Consortium, indicating it is not a common benign variant in these populations. Multiple in silico splice algorithms predict the c.705+5 G>T variant weakens or destroys the splice donor site in intron 8, which may result in abnormal gene splicing. However, guanine (G) is not a conserved nucleotide at this position and the physiological consequence of this variant cannot be precisely determined in the absence of functional mRNA studies. In addition, most variants in the TMEM43 gene reported in association with ARVD/C are missense substitutions and no pathogenic splice site variants have been reported in the Human Gene Mutation Database (Stenson et al., 2014).Therefore, based on the currently available information, it is unclear whether this variant is pathogenic or benign. This result cannot be interpreted for diagnosis or used for family member screening at this time.

Literature cited by the submitters: PubMed 17576681 (cited by Labcorp Genetics (formerly Invitae), Labcorp); PubMed 9536098 (cited by Labcorp Genetics (formerly Invitae), Labcorp).

NM_024334.3(TMEM43):c.705+5G>T

Gene: TMEM43 (transmembrane protein 43; plus strand). Cytogenetic location: 3p25.1.
Variant type: single nucleotide variant.
Coding change: c.705+5G>T on transcript NM_024334.3 (MANE Select); 5 bases into the intron after coding-DNA position 705, G replaced by T.
Molecular consequence: intron variant.
Genome position (GRCh38, 1-based): chr3:14,134,896, G>T. VCF-style: chr3-14134896-G-T. GRCh37 (hg19) VCF-style: chr3-14176396-G-T.
Identifiers: ClinVar variation 373690 (VCV000373690.16), dbSNP rs754716462, ClinGen allele CA055017.
Genomic context (GRCh38, chr3:14,134,896, plus strand): 5'-ACATCATTCGCCGTGGAGACTTTTTCTACCACAGCGAAAATCCCAAGTATCCAGAGGTGT[G>T]CGGAGAGGCCTGGGCTCTCCAAATAGGAGGGTCAGGGCGCTAGGATCAGGTTCCTGCGCC-3'